The following is an entry in ClinVar:

ClinVar aggregate classification (germline): Conflicting classifications of pathogenicity. Review status: criteria provided, conflicting classifications (1 of 4 stars). 2 submissions from 2 submitters: Uncertain significance (1); Likely benign (1). Last evaluated 2025-03-27.

Allele frequency attached by ClinVar (database versions not stated): gnomAD 0.00001; TOPMed 0.00001; ExAC 0.00002.
gnomAD v4.1: 28 of 1,613,978 alleles (0.0017%); highest among the groups gnomAD compares: East Asian, 0.011%; no homozygotes.

Submissions (2):

Ambry Genetics
Classification: Likely benign. Last evaluated: 2025-03-27. Review status: criteria provided, single submitter. Criteria: Ambry Variant Classification Scheme 2023. Collection method: clinical testing. Allele origin: germline.

Labcorp Genetics (formerly Invitae), Labcorp
Classification: Uncertain significance. Last evaluated: 2023-07-27. Review status: criteria provided, single submitter. Criteria: Invitae Variant Classification Sherloc (09022015). Collection method: clinical testing. Allele origin: germline.
Comment: In summary, the available evidence is currently insufficient to determine the role of this variant in disease. Therefore, it has been classified as a Variant of Uncertain Significance. Algorithms developed to predict the effect of missense changes on protein structure and function output the following: SIFT: "Not Available"; PolyPhen-2: "Benign"; Align-GVGD: "Not Available". The threonine amino acid residue is found in multiple mammalian species, which suggests that this missense change does not adversely affect protein function. ClinVar contains an entry for this variant (Variation ID: 1008090). This variant has not been reported in the literature in individuals affected with RINT1-related conditions. This variant is present in population databases (rs759899058, gnomAD 0.02%). This sequence change replaces alanine, which is neutral and non-polar, with threonine, which is neutral and polar, at codon 245 of the RINT1 protein (p.Ala245Thr).

NM_021930.6(RINT1):c.733G>A (p.Ala245Thr)

Gene: RINT1 (RAD50 interactor 1; plus strand). Cytogenetic location: 7q22.3.
Variant type: single nucleotide variant.
Coding change: c.733G>A on transcript NM_021930.6 (MANE Select); coding-DNA position 733, G replaced by A.
Protein change: p.Ala245Thr; replaces alanine 245 with threonine.
Molecular consequence: missense variant. On other transcripts: 5 prime UTR variant (2), non-coding transcript variant (1), intron variant (1).
Genome position (GRCh38, 1-based): chr7:105,547,227, G>A. VCF-style: chr7-105547227-G-A. GRCh37 (hg19) VCF-style: chr7-105187674-G-A.
Other names: c.499G>A, p.Ala167Thr (NM_001346599.2); c.-287G>A (NM_001346600.2); c.-190G>A (NM_001346601.2); c.-27-2828G>A (NM_001346603.2); short protein forms A167T, A245T.
Identifiers: ClinVar variation 1008090 (VCV001008090.12), dbSNP rs759899058, ClinGen allele CA4426513.
Genomic context (GRCh38, chr7:105,547,227, plus strand): 5'-TTACTTTTCCATTGCAGTGATTTTGAGGAAATTTTAGCACAGCTTCATTGGCCATTCATC[G>A]CACCCCCTCAATCACAAACTGTTGGCTTAAGTCGACCTGCCAGTGCCCCGGAGATATACA-3'
Protein context (NP_068749.3, residues 235-255): ILAQLHWPFI[Ala245Thr]PPQSQTVGLS